The following is an entry in ClinVar:

NM_144596.4(TTC8):c.1420A>G (p.Ile474Val)

Gene: TTC8 (tetratricopeptide repeat domain 8; plus strand). Cytogenetic location: 14q31.3.
Variant type: single nucleotide variant.
Coding change: c.1420A>G on transcript NM_144596.4 (MANE Select); coding-DNA position 1420, A replaced by G.
Protein change: p.Ile474Val; replaces isoleucine 474 with valine.
Molecular consequence: missense variant. On other transcripts: non-coding transcript variant (1), intron variant (2).
Genome position (GRCh38, 1-based): chr14:88,875,098, A>G. VCF-style: chr14-88875098-A-G. GRCh37 (hg19) VCF-style: chr14-89341442-A-G.
Other names: c.1468A>G, p.Ile490Val (NM_001288781.1); c.826A>G, p.Ile276Val (NM_001288782.1); c.703A>G, p.Ile235Val (NM_001288783.1); c.1390A>G, p.Ile464Val (NM_198309.3); c.1300A>G, p.Ile434Val (NM_198310.3); c.1318-2196A>G (NM_001366535.2); c.1228-2196A>G (NM_001366536.2); c.1390A>G (NM_198309.2); short protein forms I464V, I474V, I235V, I276V, I434V, I490V.
Identifiers: ClinVar variation 1367817 (VCV001367817.9), dbSNP rs1244721977, ClinGen allele CA390554217.
Genomic context (GRCh38, chr14:88,875,098, plus strand): 5'-TTACAAACTGCATCATCATTAGCACCCCATATGTATGAACCGCATTTTAATTTTGCAACA[A>G]TCTCTGATAAGGTATTCTCTTTCTTCATTAATTTATCATCTGATCTGTTCTTTTTTTTTC-3'
Protein context (NP_653197.2, residues 464-484): MYEPHFNFAT[Ile474Val]SDKIGDLQRS

ClinVar aggregate classification (germline): Conflicting classifications of pathogenicity. Review status: criteria provided, conflicting classifications (1 of 4 stars). 3 submissions from 3 submitters: Uncertain significance (2); Likely benign (1). Last evaluated 2024-02-14.

Conditions:
Inborn genetic diseases. Identifiers: MedGen C0950123, MeSH D030342.
Bardet-Biedl syndrome (BBS). Identifiers: Orphanet 110, MedGen C0752166, MONDO:0015229.
Bardet-Biedl syndrome 8 (BBS8). Identifiers: Orphanet 110, MedGen C1859566, MONDO:0014436, OMIM 615985.

Allele frequency attached by ClinVar (database versions not stated): gnomAD exomes below 0.00001; gnomAD 0.00001.
gnomAD v4.1: 4 of 1,611,150 alleles (0.00025%); highest among the groups gnomAD compares: African/African-American, 0.0013%; no homozygotes.

Submissions (3):

Ambry Genetics
Classification: Likely benign for Inborn genetic diseases. Last evaluated: 2024-02-14. Review status: criteria provided, single submitter. Criteria: Ambry Variant Classification Scheme 2023. Collection method: clinical testing. Allele origin: germline.

New York Genome Center
Classification: Uncertain significance for Bardet-Biedl syndrome 8. Last evaluated: 2023-01-03. Review status: criteria provided, single submitter. Criteria: NYGC Assertion Criteria 2020. Collection method: clinical testing. Allele origin: germline. Observed: 1 heterozygote.

Labcorp Genetics (formerly Invitae), Labcorp
Classification: Uncertain significance for Bardet-Biedl syndrome. Last evaluated: 2022-02-24. Review status: criteria provided, single submitter. Criteria: Invitae Variant Classification Sherloc (09022015). Collection method: clinical testing. Allele origin: germline.
Comment: In summary, the available evidence is currently insufficient to determine the role of this variant in disease. Therefore, it has been classified as a Variant of Uncertain Significance. Algorithms developed to predict the effect of sequence changes on RNA splicing suggest that this variant may create or strengthen a splice site. Algorithms developed to predict the effect of missense changes on protein structure and function output the following: SIFT: "Tolerated"; PolyPhen-2: "Benign"; Align-GVGD: "Class C0". The valine amino acid residue is found in multiple mammalian species, which suggests that this missense change does not adversely affect protein function. This variant has not been reported in the literature in individuals affected with TTC8-related conditions. This variant is present in population databases (no rsID available, gnomAD 0.01%). This sequence change replaces isoleucine, which is neutral and non-polar, with valine, which is neutral and non-polar, at codon 464 of the TTC8 protein (p.Ile464Val).